The following is an entry in ClinVar:

NM_000053.4(ATP7B):c.3645C>T (p.Asp1215=)

Gene: ATP7B (ATPase copper transporting beta; minus strand). Cytogenetic location: 13q14.3.
Variant type: single nucleotide variant.
Coding change: c.3645C>T on transcript NM_000053.4 (MANE Select); coding-DNA position 3645, C replaced by T.
Protein change: p.Asp1215=; no amino-acid change (aspartic acid 1215 retained).
Molecular consequence: synonymous variant.
Genome position (GRCh38, 1-based): chr13:51,939,105, G>A on the plus strand (C>T on the coding strand, the complement: ATP7B is on the minus strand). VCF-style: chr13-51939105-G-A. GRCh37 (hg19) VCF-style: chr13-52513241-G-A.
Other names: c.3645C>T (NM_000053.3); c.3024C>T, p.Asp1008= (NM_001005918.3); c.3312C>T, p.Asp1104= (NM_001243182.2); c.3411C>T, p.Asp1137= (NM_001330578.2); c.3393C>T, p.Asp1131= (NM_001330579.2).
Identifiers: ClinVar variation 1115119 (VCV001115119.17), dbSNP rs763228636, ClinGen allele CA6988616.

ClinVar aggregate classification (germline): Likely benign. Review status: criteria provided, multiple submitters, no conflicts (2 of 4 stars). 6 submissions from 6 submitters: Likely benign (6). Last evaluated 2025-12-17.

Conditions:
Wilson disease (WND). Also called: Wilson's disease. Identifiers: Orphanet 905, MedGen C0019202, MONDO:0010200, OMIM 277900. Disease mechanism: loss of function.
Inborn genetic diseases. Identifiers: MedGen C0950123, MeSH D030342.

Allele frequency attached by ClinVar (database versions not stated): gnomAD exomes 0.00001 and 0.00004; ExAC 0.00002; gnomAD 0.00003.
gnomAD v4.1: 25 of 1,614,038 alleles (0.0015%); highest among the groups gnomAD compares: Admixed American, 0.012%; no homozygotes.

Submissions (6):

Labcorp Genetics (formerly Invitae), Labcorp
Classification: Likely benign for Wilson disease. Last evaluated: 2025-12-17. Review status: criteria provided, single submitter. Criteria: Invitae Variant Classification Sherloc (09022015). Collection method: clinical testing. Allele origin: germline.

All of Us Research Program, National Institutes of Health
Classification: Likely benign for Wilson disease. Last evaluated: 2023-12-18. Review status: criteria provided, single submitter. Criteria: ACMG Guidelines, 2015. Collection method: clinical testing. Allele origin: germline. Inheritance: Autosomal recessive inheritance. Observed: 11 variant alleles, 11 heterozygotes.
Comment: This study involves interpretation of variants in research participants for the purpose of population health screening. Participant phenotype was not available at the time of variant classification. Additional details can be found in publication PMID: 35346344, PMCID: PMC8962531

Ambry Genetics
Classification: Likely benign for Inborn genetic diseases. Last evaluated: 2022-06-06. Review status: criteria provided, single submitter. Criteria: Ambry Variant Classification Scheme 2023. Collection method: clinical testing. Allele origin: germline.

Color Diagnostics, LLC DBA Color Health
Classification: Likely benign for Wilson disease. Last evaluated: 2022-05-26. Review status: criteria provided, single submitter. Criteria: ACMG Guidelines, 2015. Collection method: clinical testing. Allele origin: germline.

Fulgent Genetics
Classification: Likely benign for Wilson disease. Last evaluated: 2021-12-03. Review status: criteria provided, single submitter. Criteria: ACMG Guidelines, 2015. Collection method: clinical testing. Allele origin: unknown.

Genome-Nilou Lab
Classification: Likely benign for Wilson disease. Last evaluated: 2021-07-14. Review status: criteria provided, single submitter. Criteria: ACMG Guidelines, 2015. Collection method: clinical testing. Allele origin: germline. Affected: no.